The following is an entry in ClinVar:

ClinVar aggregate classification (germline): Likely pathogenic (1 of 4 stars; one submission).

Conditions:
X-linked Alport syndrome (ATS1). Also called: NEPHROPATHY AND DEAFNESS, X-LINKED; COL4A5-Related Nephropathy. Identifiers: Orphanet 63, Orphanet 88917, MedGen C4746986, MONDO:0010520, OMIM 301050.

Submission:

Myriad Genetics, Inc.
Classification: Likely pathogenic for X-linked Alport syndrome. Last evaluated: 2022-04-23. Review status: criteria provided, single submitter. Criteria: Myriad Women's Health Autosomal Recessive and X-Linked Classification Criteria (2021). Collection method: clinical testing. Allele origin: unknown.
Comment: NM_000495.4(COL4A5):c.3460G>T(G1154*) is expected to be pathogenic in the context of X-linked Alport syndrome. This variant is predicted to lead to an abnormal or absent protein product due to the creation of a premature termination codon in COL4A5, a gene where loss-of-function variants are known to be pathogenic. Please note: this variant was assessed in the context of healthy population screening.

NM_033380.3(COL4A5):c.3460G>T (p.Gly1154Ter)

Gene: COL4A5 (collagen type IV alpha 5 chain; plus strand). Cytogenetic location: Xq22.3.
Variant type: single nucleotide variant.
Coding change: c.3460G>T on transcript NM_033380.3 (MANE Select); coding-DNA position 3460, G replaced by T.
Protein change: p.Gly1154Ter; replaces glycine 1154 with a stop codon.
Molecular consequence: nonsense.
Genome position (GRCh38, 1-based): chrX:108,666,501, G>T. VCF-style: chrX-108666501-G-T. GRCh37 (hg19) VCF-style: chrX-107909731-G-T.
Other names: c.3460G>T, p.Gly1154Ter (NM_000495.5); short protein forms G1154*.
Identifiers: ClinVar variation 1725953 (VCV001725953.2), dbSNP rs2524566727, ClinGen allele CA413847606.